The following is an entry in ClinVar:

NM_006892.4(DNMT3B):c.1016G>A (p.Gly339Asp)

Gene: DNMT3B (DNA methyltransferase 3 beta; plus strand). Cytogenetic location: 20q11.21.
Variant type: single nucleotide variant.
Coding change: c.1016G>A on transcript NM_006892.4 (MANE Select); coding-DNA position 1016, G replaced by A.
Protein change: p.Gly339Asp; replaces glycine 339 with aspartic acid.
Molecular consequence: missense variant.
Genome position (GRCh38, 1-based): chr20:32,792,720, G>A. VCF-style: chr20-32792720-G-A. GRCh37 (hg19) VCF-style: chr20-31380526-G-A.
Other names: c.890G>A, p.Gly297Asp (NM_001207055.2); c.788G>A, p.Gly263Asp (NM_001207056.2); c.1016G>A, p.Gly339Asp (NM_175848.2, NM_175849.2); c.1052G>A, p.Gly351Asp (NM_175850.3); c.1016G>A (NM_006892.3); short protein forms G339D, G297D, G263D, G351D.
Identifiers: ClinVar variation 1373365 (VCV001373365.5), dbSNP rs754921958, ClinGen allele CA9810371.

ClinVar aggregate classification (germline): Uncertain significance. Review status: criteria provided, multiple submitters, no conflicts (2 of 4 stars). 2 submissions from 2 submitters: Uncertain significance (2). Last evaluated 2025-07-30.

Conditions:
Centromeric instability of chromosomes 1,9 and 16 and immunodeficiency (ICF1). Also called: IMMUNE DEFICIENCY, VARIABLE, WITH CENTROMERIC INSTABILITY OF CHROMOSOMES 1, 9, AND 16; IMMUNODEFICIENCY SYNDROME, VARIABLE; Immunodeficiency-centromeric instability-facial anomalies; CENTROMERIC INSTABILITY, IMMUNODEFICIENCY SYNDROME. Identifiers: Orphanet 2268, MedGen C0398788, MONDO:0000133.

gnomAD v4.1: 5 of 1,614,222 alleles (0.00031%); highest among the groups gnomAD compares: South Asian, 0.0033%; no homozygotes.

Submissions (2):

GeneDx
Classification: Uncertain significance. Last evaluated: 2025-07-30. Review status: criteria provided, single submitter. Criteria: GeneDx Variant Classification Process June 2021. Collection method: clinical testing. Allele origin: germline.
Comment: In silico analysis supports that this missense variant has a deleterious effect on protein structure/function; Has not been previously published as pathogenic or benign to our knowledge

Labcorp Genetics (formerly Invitae), Labcorp
Classification: Uncertain significance for Centromeric instability of chromosomes 1,9 and 16 and immunodeficiency. Last evaluated: 2021-08-08. Review status: criteria provided, single submitter. Criteria: Invitae Variant Classification Sherloc (09022015). Collection method: clinical testing. Allele origin: germline.
Comment: This sequence change replaces glycine with aspartic acid at codon 339 of the DNMT3B protein (p.Gly339Asp). The glycine residue is highly conserved and there is a moderate physicochemical difference between glycine and aspartic acid. This variant is present in population databases (rs754921958, ExAC 0.01%). This variant has not been reported in the literature in individuals affected with DNMT3B-related conditions. Algorithms developed to predict the effect of missense changes on protein structure and function (SIFT, PolyPhen-2, Align-GVGD) all suggest that this variant is likely to be disruptive. In summary, the available evidence is currently insufficient to determine the role of this variant in disease. Therefore, it has been classified as a Variant of Uncertain Significance.